The following is an entry in ClinVar:

ClinVar aggregate classification (germline): Uncertain significance (1 of 4 stars; one submission).

gnomAD v4.1: 1 of 1,475,894 alleles (0.000068%); highest among the groups gnomAD compares: Non-Finnish European, 0.000089%; no homozygotes.

Submission:

GeneDx
Classification: Uncertain significance. Last evaluated: 2025-04-09. Review status: criteria provided, single submitter. Criteria: GeneDx Variant Classification Process June 2021. Collection method: clinical testing. Allele origin: germline.
Comment: Stop codon loss and change to a glycine codon, leading to protein extension and the addition of 60 amino acid(s) at the C-terminus; Not observed at significant frequency in large population cohorts (gnomAD); Has not been previously published as pathogenic or benign to our knowledge

NM_003745.2(SOCS1):c.634T>G (p.Ter212Gly)

Gene: SOCS1 (suppressor of cytokine signaling 1; minus strand). Cytogenetic location: 16p13.13.
Variant type: single nucleotide variant.
Coding change: c.634T>G on transcript NM_003745.2 (MANE Select); coding-DNA position 634, T replaced by G.
Protein change: p.Ter212Gly.
Molecular consequence: stop lost.
Genome position (GRCh38, 1-based): chr16:11,254,845, A>C on the plus strand (T>G on the coding strand, the complement: SOCS1 is on the minus strand). VCF-style: chr16-11254845-A-C. GRCh37 (hg19) VCF-style: chr16-11348702-A-C.
Identifiers: ClinVar variation 3767842 (VCV003767842.2).